The following is an entry in ClinVar:

NM_031418.4(ANO3):c.290C>T (p.Ala97Val)

Gene: ANO3 (anoctamin 3; plus strand). Cytogenetic location: 11p14.2.
Variant type: single nucleotide variant.
Coding change: c.290C>T on transcript NM_031418.4 (MANE Select); coding-DNA position 290, C replaced by T.
Protein change: p.Ala97Val; replaces alanine 97 with valine.
Molecular consequence: missense variant.
Genome position (GRCh38, 1-based): chr11:26,443,813, C>T. VCF-style: chr11-26443813-C-T. GRCh37 (hg19) VCF-style: chr11-26465360-C-T.
Other names: c.473C>T, p.Ala158Val (NM_001313726.2); short protein forms A158V, A97V.
Identifiers: ClinVar variation 1715419 (VCV001715419.5), dbSNP rs2494625259, ClinGen allele CA380066548.
Genomic context (GRCh38, chr11:26,443,813, plus strand): 5'-ATTTTATTTCAGTTAATACTGAGGAGAATAAAAACGACTCTGTGCTGAGATGTTCATTTG[C>T]TGACCTCAGCGATTTTTGTTTGGGTAAGTTGATAATCAGTATTTACCTACTCCTTTCCCT-3'
Protein context (NP_113606.2, residues 87-107): KNDSVLRCSF[Ala97Val]DLSDFCLALG

ClinVar aggregate classification (germline): Uncertain significance (1 of 4 stars; one submission).

Conditions:
Dystonic disorder. Also called: Dystonia. Identifiers: MedGen C0013421, MONDO:0003441, HP:0001332.

Allele frequency attached by ClinVar (database versions not stated): gnomAD exomes below 0.00001.
gnomAD v4.1: 1 of 1,611,628 alleles (0.000062%); highest among the groups gnomAD compares: South Asian, 0.0011%; no homozygotes.

Submission:

Labcorp Genetics (formerly Invitae), Labcorp
Classification: Uncertain significance for Dystonic disorder. Last evaluated: 2025-09-08. Review status: criteria provided, single submitter. Criteria: Invitae Variant Classification Sherloc (09022015). Collection method: clinical testing. Allele origin: germline.
Comment: This sequence change replaces alanine, which is neutral and non-polar, with valine, which is neutral and non-polar, at codon 97 of the ANO3 protein (p.Ala97Val). This variant is not present in population databases (gnomAD no frequency). This variant has not been reported in the literature in individuals affected with ANO3-related conditions. ClinVar contains an entry for this variant (Variation ID: 1715419). Invitae Evidence Modeling of protein sequence and biophysical properties (such as structural, functional, and spatial information, amino acid conservation, physicochemical variation, residue mobility, and thermodynamic stability) indicates that this missense variant is not expected to disrupt ANO3 protein function with a negative predictive value of 95%. In summary, the available evidence is currently insufficient to determine the role of this variant in disease. Therefore, it has been classified as a Variant of Uncertain Significance.